The following is an entry in ClinVar:

ClinVar aggregate classification (germline): Uncertain significance. Review status: criteria provided, multiple submitters, no conflicts (2 of 4 stars). 3 submissions from 3 submitters: Uncertain significance (3). Last evaluated 2023-10-14.

Conditions:
Inborn genetic diseases. Identifiers: MedGen C0950123, MeSH D030342.

Allele frequency attached by ClinVar (database versions not stated): ExAC 0.00002; gnomAD exomes 0.00002; TOPMed 0.00002; gnomAD 0.00003 and 0.00004; ESP Exome Variant Server 0.00008.
gnomAD v4.1: 32 of 1,613,438 alleles (0.002%); highest among the groups gnomAD compares: East Asian, 0.0067%; no homozygotes.

Submissions (3):

Ambry Genetics
Classification: Uncertain significance for Inborn genetic diseases. Last evaluated: 2023-10-14. Review status: criteria provided, single submitter. Criteria: Ambry Variant Classification Scheme 2023. Collection method: clinical testing. Allele origin: germline.

Blueprint Genetics
Classification: Uncertain significance. Last evaluated: 2021-03-11. Review status: criteria provided, single submitter. Criteria: ACMG Guidelines, 2015. Collection method: clinical testing. Allele origin: germline.

Labcorp Genetics (formerly Invitae), Labcorp
Classification: Uncertain significance. Last evaluated: 2019-12-11. Review status: criteria provided, single submitter. Criteria: Invitae Variant Classification Sherloc (09022015). Collection method: clinical testing. Allele origin: germline.
Comment: In summary, the available evidence is currently insufficient to determine the role of this variant in disease. Therefore, it has been classified as a Variant of Uncertain Significance. Algorithms developed to predict the effect of missense changes on protein structure and function are either unavailable or do not agree on the potential impact of this missense change (SIFT: "Deleterious"; PolyPhen-2: "Possibly Damaging"; Align-GVGD: "Class C0"). This variant has not been reported in the literature in individuals with SLC24A1-related conditions. ClinVar contains an entry for this variant (Variation ID: 316786). This variant is present in population databases (rs371550495, ExAC 0.006%). This sequence change replaces arginine with cysteine at codon 24 of the SLC24A1 protein (p.Arg24Cys). The arginine residue is weakly conserved and there is a large physicochemical difference between arginine and cysteine.

NM_004727.3(SLC24A1):c.70C>T (p.Arg24Cys)

Gene: SLC24A1 (solute carrier family 24 member 1; plus strand). Cytogenetic location: 15q22.31.
Variant type: single nucleotide variant.
Coding change: c.70C>T on transcript NM_004727.3 (MANE Select); coding-DNA position 70, C replaced by T.
Protein change: p.Arg24Cys; replaces arginine 24 with cysteine.
Molecular consequence: missense variant.
Genome position (GRCh38, 1-based): chr15:65,624,150, C>T. VCF-style: chr15-65624150-C-T. GRCh37 (hg19) VCF-style: chr15-65916488-C-T.
Other names: c.70C>T, p.Arg24Cys (NM_001301031.1, NM_001301032.1, NM_001301033.2); short protein forms R24C.
Identifiers: ClinVar variation 316786 (VCV000316786.16), dbSNP rs371550495, ClinGen allele CA7619689.